The following is an entry in ClinVar:

ClinVar aggregate classification (germline): Pathogenic (1 of 4 stars; one submission).

Conditions:
Branchiootorenal syndrome 1. Also called: Branchio-Oto-Renal Syndrome 1. Identifiers: Orphanet 107, MedGen C4551702, MONDO:0007236, OMIM 113650.

Submission:

Victorian Clinical Genetics Services, Murdoch Childrens Research Institute
Classification: Pathogenic for Branchiootorenal syndrome 1. Last evaluated: 2024-10-08. Review status: criteria provided, single submitter. Criteria: ACMG Guidelines, 2015. Collection method: clinical testing. Allele origin: germline. Affected: yes.
Comment: This variant is classified as Pathogenic. Evidence in support of pathogenic classification: Variant is predicted to cause nonsense-mediated decay (NMD) and loss of protein (premature termination codon is located at least 54 nucleotides upstream of the final exon-exon junction); Variant is absent from gnomAD (v2, v3 and v4); Other NMD-predicted variant(s) comparable to the one identified in this case have very strong previous evidence for pathogenicity (DECIPHER). Additional information: This variant is heterozygous; This gene is associated with autosomal dominant disease; This variant has no previous evidence of pathogenicity; No published segregation evidence has been identified for this variant; No published functional evidence has been identified for this variant; Loss of function is a known mechanism of disease in this gene and is associated with anterior segment anomalies with or without cataract (MIM#602588), branchiootic syndrome 1 (MIM#602588), and branchiootorenal syndrome 1, with or without cataracts (MIM#113650). (I) - Inheritance information for this variant is not currently available in this individual.

NM_000503.6(EYA1):c.671del (p.Gly224fs)

Gene: EYA1 (EYA transcriptional coactivator and phosphatase 1; minus strand). Cytogenetic location: 8q13.3.
Variant type: Deletion.
Coding change: c.671del on transcript NM_000503.6 (MANE Select); coding-DNA position 671, one base deleted (G; older notation c.671delG).
Protein change: p.Gly224fs; shifts the reading frame from glycine 224.
Molecular consequence: frameshift variant.
Genome position (GRCh38, 1-based): chr8:71,299,202, C deleted on the plus strand (G on the coding strand, the reverse complement: EYA1 is on the minus strand); the first of 3 consecutive C bases (chr8:71,299,202-71,299,204); deleting any one gives the same sequence. VCF-style (leftmost placement, unchanged base first): chr8-71299201-AC-A. GRCh37 (hg19) VCF-style: chr8-72211436-AC-A.
Other names: c.653del, p.Gly218fs (NM_001288574.2); c.305del, p.Gly102fs (NM_001288575.2); c.758del, p.Gly253fs (NM_001370333.1); c.671del, p.Gly224fs (NM_001370334.1, NM_001370335.1, NM_172058.4); c.740del, p.Gly247fs (NM_001370336.1); c.572del, p.Gly191fs (NM_001411797.1, NM_172060.4); c.743del, p.Gly248fs (NM_172059.5); short protein forms G102fs, G191fs, G218fs, G224fs, G247fs, G248fs, G253fs.
Identifiers: ClinVar variation 4532103 (VCV004532103.1).